The following is an entry in ClinVar:

NM_020919.4(ALS2):c.929C>T (p.Ala310Val)

Gene: ALS2 (alsin Rho guanine nucleotide exchange factor ALS2; minus strand). Cytogenetic location: 2q33.1.
Variant type: single nucleotide variant.
Coding change: c.929C>T on transcript NM_020919.4 (MANE Select); coding-DNA position 929, C replaced by T.
Protein change: p.Ala310Val; replaces alanine 310 with valine.
Molecular consequence: missense variant.
Genome position (GRCh38, 1-based): chr2:201,761,065, G>A on the plus strand (C>T on the coding strand, the complement: ALS2 is on the minus strand). VCF-style: chr2-201761065-G-A. GRCh37 (hg19) VCF-style: chr2-202625788-G-A.
Other names: c.929C>T, p.Ala310Val (NM_001135745.2, NM_001410975.1); short protein forms A310V.
Identifiers: ClinVar variation 1954403 (VCV001954403.5), dbSNP rs2469914230, ClinGen allele CA350327793.
Genomic context (GRCh38, chr2:201,761,065, plus strand): 5'-ATTTCAGTTGTTCCCATGACATTTTGTTGAGAGGACATGGCATCGCTGCTTGTGATCTGA[G>A]CACTTACTGCATTCAGTTCAGTAGCAACAGACTGATCATTTGCTACAAGAGTGTTCTCAA-3'
Protein context (NP_065970.2, residues 300-320): SVATELNAVS[Ala310Val]QITSSDAMSS

ClinVar aggregate classification (germline): Uncertain significance (1 of 4 stars; one submission).

Conditions:
Infantile-onset ascending hereditary spastic paralysis (IAHSP). Also called: Autosomal Recessive Juvenile Amyotrophic Lateral Sclerosis; Infantile-Onset Ascending Hereditary Spastic Paralysis (IAHSP). Identifiers: Orphanet 293168, MedGen C2931441, MONDO:0011797, OMIM 607225. Disease mechanism: loss of function.

Submission:

Labcorp Genetics (formerly Invitae), Labcorp
Classification: Uncertain significance for Infantile-onset ascending hereditary spastic paralysis. Last evaluated: 2021-12-18. Review status: criteria provided, single submitter. Criteria: Invitae Variant Classification Sherloc (09022015). Collection method: clinical testing. Allele origin: germline.
Comment: In summary, the available evidence is currently insufficient to determine the role of this variant in disease. Therefore, it has been classified as a Variant of Uncertain Significance. Algorithms developed to predict the effect of missense changes on protein structure and function output the following: SIFT: "Tolerated"; PolyPhen-2: "Benign"; Align-GVGD: "Class C0". The valine amino acid residue is found in multiple mammalian species, which suggests that this missense change does not adversely affect protein function. This variant has not been reported in the literature in individuals affected with ALS2-related conditions. This variant is not present in population databases (gnomAD no frequency). This sequence change replaces alanine, which is neutral and non-polar, with valine, which is neutral and non-polar, at codon 310 of the ALS2 protein (p.Ala310Val).